The following is an entry in ClinVar:

NM_014000.3(VCL):c.482C>T (p.Thr161Ile)

Gene: VCL (vinculin; plus strand). Cytogenetic location: 10q22.2.
Variant type: single nucleotide variant.
Coding change: c.482C>T on transcript NM_014000.3 (MANE Select); coding-DNA position 482, C replaced by T.
Protein change: p.Thr161Ile; replaces threonine 161 with isoleucine.
Molecular consequence: missense variant.
Genome position (GRCh38, 1-based): chr10:74,071,066, C>T. VCF-style: chr10-74071066-C-T. GRCh37 (hg19) VCF-style: chr10-75830824-C-T.
Other names: c.482C>T, p.Thr161Ile (NM_003373.4); short protein forms T161I.
Identifiers: ClinVar variation 3707305 (VCV003707305.2).
Genomic context (GRCh38, chr10:74,071,066, plus strand): 5'-TTTTGGAATATCTTACAGTGGCAGAGGTGGTGGAGACTATGGAAGATTTGGTCACTTACA[C>T]AAAGAATCTTGGGCCAGGTTAGTTTTATCCAATTTCTATAACATTTTTTAAGGATTGTCC-3'
Protein context (NP_054706.1, residues 151-171): VETMEDLVTY[Thr161Ile]KNLGPGMTKM

ClinVar aggregate classification (germline): Uncertain significance (1 of 4 stars; one submission).

Conditions:
Dilated cardiomyopathy 1W (CMD1W). Identifiers: Orphanet 154, MedGen C1969639, MONDO:0012667, OMIM 611407.

gnomAD v4.1: 1 of 1,614,084 alleles (0.000062%); highest among the groups gnomAD compares: Non-Finnish European, 0.000085%; no homozygotes.

Submission:

Labcorp Genetics (formerly Invitae), Labcorp
Classification: Uncertain significance for Dilated cardiomyopathy 1W. Last evaluated: 2024-11-26. Review status: criteria provided, single submitter. Criteria: Invitae Variant Classification Sherloc (09022015). Collection method: clinical testing. Allele origin: germline.
Comment: This sequence change replaces threonine, which is neutral and polar, with isoleucine, which is neutral and non-polar, at codon 161 of the VCL protein (p.Thr161Ile). This variant is present in population databases (rs376226543, gnomAD 0.0009%). This variant has not been reported in the literature in individuals affected with VCL-related conditions. An algorithm developed to predict the effect of missense changes on protein structure and function (PolyPhen-2) suggests that this variant is likely to be disruptive. In summary, the available evidence is currently insufficient to determine the role of this variant in disease. Therefore, it has been classified as a Variant of Uncertain Significance.